The following is an entry in ClinVar:

NM_001164508.2(NEB):c.5628C>G (p.Leu1876=)

Gene: NEB (nebulin; minus strand). Cytogenetic location: 2q23.3.
Variant type: single nucleotide variant.
Coding change: c.5628C>G on transcript NM_001164508.2 (MANE Select); coding-DNA position 5628, C replaced by G.
Protein change: p.Leu1876=; no amino-acid change (leucine 1876 retained).
Molecular consequence: synonymous variant.
Genome position (GRCh38, 1-based): chr2:151,663,683, G>C on the plus strand (C>G on the coding strand, the complement: NEB is on the minus strand). VCF-style: chr2-151663683-G-C. GRCh37 (hg19) VCF-style: chr2-152520197-G-C.
Other names: c.5628C>G, p.Leu1876= (NM_001164507.2, NM_001271208.2, NM_004543.5).
Identifiers: ClinVar variation 796576 (VCV000796576.37), dbSNP rs771407375, ClinGen allele CA1910325.

ClinVar aggregate classification (germline): Likely benign. Review status: criteria provided, multiple submitters, no conflicts (2 of 4 stars). 2 submissions from 2 submitters: Likely benign (2). Last evaluated 2023-12-31.

Conditions:
Nemaline myopathy 2 (NEM2). Also called: Nemaline myopathy 2, autosomal recessive. Identifiers: MedGen C1850569, MONDO:0009725, OMIM 256030.

Allele frequency attached by ClinVar (database versions not stated): TOPMed below 0.00001; ExAC 0.00002.
gnomAD v4.1: 16 of 1,613,762 alleles (0.00099%); highest among the groups gnomAD compares: Non-Finnish European, 0.0012%; no homozygotes.

Submissions (2):

Labcorp Genetics (formerly Invitae), Labcorp
Classification: Likely benign for Nemaline myopathy 2. Last evaluated: 2023-12-31. Review status: criteria provided, single submitter. Criteria: Invitae Variant Classification Sherloc (09022015). Collection method: clinical testing. Allele origin: germline.

CeGaT Center for Human Genetics Tuebingen
Classification: Likely benign. Last evaluated: 2023-06-01. Review status: criteria provided, single submitter. Criteria: CeGaT Center For Human Genetics Tuebingen Variant Classification Criteria Version 2. Collection method: clinical testing. Allele origin: germline. Affected: yes. Observed: 1 variant allele.
Comment: NEB: BP4, BP7